The following is an entry in ClinVar:

NM_000070.3(CAPN3):c.801+8_801+9del

Gene: CAPN3 (calpain 3; plus strand). Cytogenetic location: 15q15.1.
Variant type: Deletion.
Coding change: c.801+8_801+9del on transcript NM_000070.3 (MANE Select); bases 8 to 9 of the intron after coding-DNA position 801, 2 bases deleted (TG; older notation c.801+8_801+9delTG).
Molecular consequence: intron variant.
Genome position (GRCh38, 1-based): chr15:42,389,104-42,389,105, TG deleted. VCF-style (leftmost placement, unchanged base first): chr15-42389103-CTG-C. GRCh37 (hg19) VCF-style: chr15-42681301-CTG-C.
Other names: c.801+8_801+9del (NM_024344.2, NM_173087.2).
Identifiers: ClinVar variation 1161667 (VCV001161667.31), dbSNP rs764551615, ClinGen allele CA7511113.

ClinVar aggregate classification (germline): Conflicting classifications of pathogenicity. Review status: criteria provided, conflicting classifications (1 of 4 stars). 2 submissions from 2 submitters: Uncertain significance (1); Likely benign (1). Last evaluated 2025-03-03.

Conditions:
Autosomal recessive limb-girdle muscular dystrophy type 2A (LGMDR1). Also called: Muscular dystrophy, limb-girdle, type 2A, Amish; LEYDEN-MOEBIUS MUSCULAR DYSTROPHY; Limb-girdle muscular dystrophy, type 2A; Calpainopathy; MUSCULAR DYSTROPHY, PELVOFEMORAL. Identifiers: Orphanet 267, MedGen C1869123, MONDO:0009675, OMIM 253600. Disease mechanism: loss of function.

Allele frequency attached by ClinVar (database versions not stated): ExAC 0.00001; gnomAD exomes 0.00001 and 0.00002; TOPMed 0.00001; gnomAD 0.00002.

Submissions (2):

Labcorp Genetics (formerly Invitae), Labcorp
Classification: Likely benign for Autosomal recessive limb-girdle muscular dystrophy type 2A. Last evaluated: 2025-03-03. Review status: criteria provided, single submitter. Criteria: Invitae Variant Classification Sherloc (09022015). Collection method: clinical testing. Allele origin: germline.

CeGaT Center for Human Genetics Tuebingen
Classification: Uncertain significance. Last evaluated: 2023-12-01. Review status: criteria provided, single submitter. Criteria: CeGaT Center For Human Genetics Tuebingen Variant Classification Criteria Version 2. Collection method: clinical testing. Allele origin: germline. Affected: yes. Observed: 1 variant allele.
Comment: CAPN3: PM2, BP4